The following is an entry in ClinVar:

NM_138395.4(MARS2):c.1383A>C (p.Ala461=)

Gene: MARS2 (methionyl-tRNA synthetase 2, mitochondrial; plus strand). Cytogenetic location: 2q33.1.
Variant type: single nucleotide variant.
Coding change: c.1383A>C on transcript NM_138395.4 (MANE Select); coding-DNA position 1383, A replaced by C.
Protein change: p.Ala461=; no amino-acid change (alanine 461 retained).
Molecular consequence: synonymous variant.
Genome position (GRCh38, 1-based): chr2:197,706,788, A>C. VCF-style: chr2-197706788-A-C. GRCh37 (hg19) VCF-style: chr2-198571512-A-C.
Identifiers: ClinVar variation 3045977 (VCV003045977.2), dbSNP rs2468942193, ClinGen allele CA430823263.

ClinVar aggregate classification (germline): Likely benign (0 of 4 stars; one submission).

Conditions:
MARS2-related disorder. Also called: MARS2-related condition.

Submission:

PreventionGenetics, part of Exact Sciences
Classification: Likely benign for MARS2-related condition. Last evaluated: 2019-11-14. Review status: no assertion criteria provided. Collection method: clinical testing. Allele origin: germline.
Comment: This variant is classified as likely benign based on ACMG/AMP sequence variant interpretation guidelines (Richards et al. 2015 PMID: 25741868, with internal and published modifications).